The following is an entry in ClinVar:

NM_020458.4(TTC7A):c.460A>T (p.Met154Leu)

Gene: TTC7A (tetratricopeptide repeat domain 7A; plus strand). Cytogenetic location: 2p21.
Variant type: single nucleotide variant.
Coding change: c.460A>T on transcript NM_020458.4 (MANE Select); coding-DNA position 460, A replaced by T.
Protein change: p.Met154Leu; replaces methionine 154 with leucine.
Molecular consequence: missense variant. On other transcripts: 5 prime UTR variant (1).
Genome position (GRCh38, 1-based): chr2:46,956,950, A>T. VCF-style: chr2-46956950-A-T. GRCh37 (hg19) VCF-style: chr2-47184089-A-T.
Other names: c.460A>T, p.Met154Leu (NM_001288951.2); c.358A>T, p.Met120Leu (NM_001288953.2); c.-445A>T (NM_001288955.2); short protein forms M120L, M154L.
Identifiers: ClinVar variation 2070224 (VCV002070224.4), dbSNP rs778183105, ClinGen allele CA346718777.

ClinVar aggregate classification (germline): Uncertain significance (1 of 4 stars; one submission).

Conditions:
Multiple gastrointestinal atresias. Also called: Multiple intestinal atresia; FAMILIAL INTESTINAL POLYATRESIA SYNDROME. Identifiers: Orphanet 2300, MedGen C0220744, MONDO:0009465.

Submission:

Labcorp Genetics (formerly Invitae), Labcorp
Classification: Uncertain significance for Multiple gastrointestinal atresias. Last evaluated: 2023-08-17. Review status: criteria provided, single submitter. Criteria: Invitae Variant Classification Sherloc (09022015). Collection method: clinical testing. Allele origin: germline.
Comment: Advanced modeling of protein sequence and biophysical properties (such as structural, functional, and spatial information, amino acid conservation, physicochemical variation, residue mobility, and thermodynamic stability) performed at Invitae indicates that this missense variant is not expected to disrupt TTC7A protein function. This sequence change replaces methionine, which is neutral and non-polar, with leucine, which is neutral and non-polar, at codon 154 of the TTC7A protein (p.Met154Leu). This variant is not present in population databases (gnomAD no frequency). This variant has not been reported in the literature in individuals affected with TTC7A-related conditions. ClinVar contains an entry for this variant (Variation ID: 2070224). In summary, the available evidence is currently insufficient to determine the role of this variant in disease. Therefore, it has been classified as a Variant of Uncertain Significance.